The following is an entry in ClinVar:

NM_003923.3(FOXH1):c.314G>A (p.Gly105Asp)

Gene: FOXH1 (forkhead box H1; minus strand). Cytogenetic location: 8q24.3.
Variant type: single nucleotide variant.
Coding change: c.314G>A on transcript NM_003923.3 (MANE Select); coding-DNA position 314, G replaced by A.
Protein change: p.Gly105Asp; replaces glycine 105 with aspartic acid.
Molecular consequence: missense variant.
Genome position (GRCh38, 1-based): chr8:144,475,022, C>T on the plus strand (G>A on the coding strand, the complement: FOXH1 is on the minus strand). VCF-style: chr8-144475022-C-T. GRCh37 (hg19) VCF-style: chr8-145700405-C-T.
Other names: short protein forms G105D.
Identifiers: ClinVar variation 4685423 (VCV004685423.1).

ClinVar aggregate classification (germline): Uncertain significance (1 of 4 stars; one submission).

Submission:

GeneDx
Classification: Uncertain significance. Last evaluated: 2025-07-09. Review status: criteria provided, single submitter. Criteria: GeneDx Variant Classification Process June 2021. Collection method: clinical testing. Allele origin: germline. Affected: yes.
Comment: Not observed at significant frequency in large population cohorts (gnomAD); In silico analysis supports that this missense variant has a deleterious effect on protein structure/function; Has not been previously published as pathogenic or benign to our knowledge